The following is an entry in ClinVar:

NM_022042.4(SLC26A1):c.1937_1947del (p.Leu646fs)

Genes: IDUA (alpha-L-iduronidase; plus strand), SLC26A1 (solute carrier family 26 member 1; minus strand). Cytogenetic location: 4p16.3.
Variant type: Deletion.
Coding change: c.1937_1947del on transcript NM_022042.4 (MANE Select); coding-DNA positions 1937 to 1947, 11 bases deleted (TAGCCTGCTGC).
Protein change: p.Leu646fs; shifts the reading frame from leucine 646.
Molecular consequence: frameshift variant. On other transcripts: intron variant (2).
Genome position (GRCh38, 1-based): chr4:988,992-989,002, GCAGCAGGCTA deleted on the plus strand (TAGCCTGCTGC on the coding strand, the reverse complement: SLC26A1 is on the minus strand); deleting any 11 consecutive bases within chr4:988,992-989,012 gives the same sequence; the c. name uses the placement nearest the transcript's 3' end. VCF-style (leftmost placement, unchanged base first): chr4-988991-TGCAGCAGGCTA-T. GRCh37 (hg19) VCF-style: chr4-982779-TGCAGCAGGCTA-T.
Other names: c.1937_1947del11 (NM_022042.3); c.1937_1947del, p.Leu646fs (NM_213613.4); c.576+2126_576+2136del (NM_134425.4); c.299+1053_299+1063del (NM_000203.5); short protein forms L646fs.
Identifiers: ClinVar variation 1463536 (VCV001463536.7), dbSNP rs752630392, ClinGen allele CA2801221.

ClinVar aggregate classification (germline): Uncertain significance. Review status: criteria provided, multiple submitters, no conflicts (2 of 4 stars). 3 submissions from 3 submitters: Uncertain significance (3). Last evaluated 2025-03-19.

Conditions:
Nephrolithiasis susceptibility caused by SLC26A1 (CAON1). Also called: NEPHROLITHIASIS, CALCIUM OXALATE, 1. Identifiers: MedGen C5779632, MONDO:0020722, OMIM 167030.
Hypersulfaturia (HYSULF). Identifiers: MedGen C5830511, MONDO:0957268, OMIM 620372.
SLC26A1-related disorder. Also called: SLC26A1-related condition.

Submissions (3):

Labcorp Genetics (formerly Invitae), Labcorp
Classification: Uncertain significance. Last evaluated: 2025-03-19. Review status: criteria provided, single submitter. Criteria: Invitae Variant Classification Sherloc (09022015). Collection method: clinical testing. Allele origin: germline.
Comment: This sequence change creates a premature translational stop signal (p.Leu646Glnfs*23) in the SLC26A1 gene. While this is not anticipated to result in nonsense mediated decay, it is expected to disrupt the last 56 amino acid(s) of the SLC26A1 protein. This variant is present in population databases (rs752630392, gnomAD 0.02%). This variant has not been reported in the literature in individuals affected with SLC26A1-related conditions. ClinVar contains an entry for this variant (Variation ID: 1463536). Experimental studies and prediction algorithms are not available or were not evaluated, and the functional significance of this variant is currently unknown. In summary, the available evidence is currently insufficient to determine the role of this variant in disease. Therefore, it has been classified as a Variant of Uncertain Significance.

PreventionGenetics, part of Exact Sciences
Classification: Uncertain significance for SLC26A1-related condition. Last evaluated: 2024-11-26. Review status: criteria provided, single submitter. Criteria: ACMG Guidelines, 2015. Collection method: clinical testing. Allele origin: germline.
Comment: The SLC26A1 c.1937_1947del11 variant is predicted to result in a frameshift and premature protein termination (p.Leu646Glnfs*23). This variant resides in the final exon of this gene, and it is unclear if the resulting mRNA would undergo nonsense-mediated decay. To our knowledge, this variant has not been reported in the literature. This variant is reported in 0.016% of alleles in individuals of Latino descent in gnomAD. At this time, the clinical significance of this variant is uncertain due to the absence of conclusive functional and genetic evidence.

Fulgent Genetics
Classification: Uncertain significance for Nephrolithiasis susceptibility caused by SLC26A1; Hypersulfaturia. Last evaluated: 2024-03-26. Review status: criteria provided, single submitter. Criteria: ACMG Guidelines, 2015. Collection method: clinical testing. Allele origin: germline.